The following is an entry in ClinVar:

ClinVar aggregate classification (germline): Uncertain significance (1 of 4 stars; one submission).

gnomAD v4.1: 18 of 1,613,802 alleles (0.0011%); highest among the groups gnomAD compares: East Asian, 0.031%; no homozygotes.

Submissions (2):

Labcorp Genetics (formerly Invitae), Labcorp
Classification: Uncertain significance. Last evaluated: 2025-07-23. Review status: criteria provided, single submitter. Criteria: Invitae Variant Classification Sherloc (09022015). Collection method: clinical testing. Allele origin: germline.
Comment: This sequence change replaces lysine, which is basic and polar, with arginine, which is basic and polar, at codon 1495 of the ANK3 protein (p.Lys1495Arg). This variant is present in population databases (rs572626990, gnomAD 0.03%). This variant has not been reported in the literature in individuals affected with ANK3-related conditions. Invitae Evidence Modeling of protein sequence and biophysical properties (such as structural, functional, and spatial information, amino acid conservation, physicochemical variation, residue mobility, and thermodynamic stability) has been performed for this missense variant. However, the output from this modeling did not meet the statistical confidence thresholds required to predict the impact of this variant on ANK3 protein function. In summary, the available evidence is currently insufficient to determine the role of this variant in disease. Therefore, it has been classified as a Variant of Uncertain Significance.

Dr. Peter K. Rogan Lab, Western University
No classification provided (evidence only). Condition: Gastric cancer. Review status: no classification provided. Collection method: in vitro. Allele origin: not applicable. Functional consequence: retained intron. Not counted in ClinVar's aggregate classification.

NM_020987.5(ANK3):c.4484A>G (p.Lys1495Arg)

Gene: ANK3 (ankyrin 3; minus strand). Cytogenetic location: 10q21.2.
Variant type: single nucleotide variant.
Coding change: c.4484A>G on transcript NM_020987.5 (MANE Select); coding-DNA position 4484, A replaced by G.
Protein change: p.Lys1495Arg; replaces lysine 1495 with arginine.
Molecular consequence: missense variant. On other transcripts: intron variant (4).
Genome position (GRCh38, 1-based): chr10:60,076,397, T>C on the plus strand (A>G on the coding strand, the complement: ANK3 is on the minus strand). VCF-style: chr10-60076397-T-C. GRCh37 (hg19) VCF-style: chr10-61836155-T-C.
Other names: NC_000010.10:g.61836155T>C; c.4387+4140A>G (NM_001204403.2); c.4408+4140A>G (NM_001204404.2); c.4405+4140A>G (NM_001320874.2); c.1807+4140A>G (NM_001149.4); short protein forms K1495R.
Identifiers: ClinVar variation 4363862 (VCV004363862.2).